The following is an entry in ClinVar:

ClinVar aggregate classification (germline): Uncertain significance (1 of 4 stars; one submission).

Conditions:
Inborn genetic diseases. Identifiers: MedGen C0950123, MeSH D030342.

Submission:

Ambry Genetics
Classification: Uncertain significance for Inborn genetic diseases. Last evaluated: 2021-09-16. Review status: criteria provided, single submitter. Criteria: Ambry Variant Classification Scheme 2023. Collection method: clinical testing. Allele origin: germline.
Comment: The p.V1946A variant (also known as c.5837T>C), located in coding exon 40 of the LRRK2 gene, results from a T to C substitution at nucleotide position 5837. The valine at codon 1946 is replaced by alanine, an amino acid with similar properties. This amino acid position is conserved. In addition, this alteration is predicted to be deleterious by in silico analysis. Since supporting evidence is limited at this time, the clinical significance of this alteration remains unclear.

NM_198578.4(LRRK2):c.5837T>C (p.Val1946Ala)

Gene: LRRK2 (leucine rich repeat kinase 2; plus strand). Cytogenetic location: 12q12.
Variant type: single nucleotide variant.
Coding change: c.5837T>C on transcript NM_198578.4 (MANE Select); coding-DNA position 5837, T replaced by C.
Protein change: p.Val1946Ala; replaces valine 1946 with alanine.
Molecular consequence: missense variant.
Genome position (GRCh38, 1-based): chr12:40,335,046, T>C. VCF-style: chr12-40335046-T-C. GRCh37 (hg19) VCF-style: chr12-40728848-T-C.
Other names: short protein forms V1946A.
Identifiers: ClinVar variation 1749993 (VCV001749993.2), dbSNP rs2499930453, ClinGen allele CA384402098.